The following is an entry in ClinVar:

ClinVar aggregate classification (germline): Uncertain significance (1 of 4 stars; one submission).

Conditions:
Cardiovascular phenotype. Identifiers: MedGen CN230736.

gnomAD v4.1: 9 of 1,612,818 alleles (0.00056%); highest among the groups gnomAD compares: Non-Finnish European, 0.00076%; no homozygotes.

Submission:

Ambry Genetics
Classification: Uncertain significance for Cardiovascular phenotype. Last evaluated: 2025-08-27. Review status: criteria provided, single submitter. Criteria: Ambry Variant Classification Scheme 2023. Collection method: clinical testing. Allele origin: germline.
Comment: The c.1065C>T variant (also known as p.H355H), located in coding exon 7 of the ACVRL1 gene, results from a C to T substitution at nucleotide position 1065. This nucleotide substitution does not change the amino acid at codon 355. This nucleotide position is not well conserved in available vertebrate species. In silico splice site analysis for this alteration is inconclusive. Based on the available evidence, the clinical significance of this variant remains unclear.

NM_000020.3(ACVRL1):c.1065C>T (p.His355=)

Gene: ACVRL1 (activin A receptor like type 1; plus strand). Cytogenetic location: 12q13.13.
Variant type: single nucleotide variant.
Coding change: c.1065C>T on transcript NM_000020.3 (MANE Select); coding-DNA position 1065, C replaced by T.
Protein change: p.His355=; no amino-acid change (histidine 355 retained).
Molecular consequence: synonymous variant. On other transcripts: intron variant (1).
Genome position (GRCh38, 1-based): chr12:51,916,052, C>T. VCF-style: chr12-51916052-C-T. GRCh37 (hg19) VCF-style: chr12-52309836-C-T.
Other names: c.501C>T, p.His167= (NM_001406495.1); c.736+552C>T (NM_001406494.1); c.1065C>T, p.His355= (NM_001077401.2, NM_001406487.1, NM_001406488.1 and 1 more transcripts); c.753C>T, p.His251= (NM_001406490.1, NM_001406491.1, NM_001406492.1 and 1 more transcripts).
Identifiers: ClinVar variation 4223724 (VCV004223724.1).